The following is an entry in ClinVar:

NM_003872.3(NRP2):c.2062C>A (p.Arg688=)

Gene: NRP2 (neuropilin 2; plus strand). Cytogenetic location: 2q33.3.
Variant type: single nucleotide variant.
Coding change: c.2062C>A on transcript NM_003872.3 (MANE Select); coding-DNA position 2062, C replaced by A.
Protein change: p.Arg688=; no amino-acid change (arginine 688 retained).
Molecular consequence: synonymous variant.
Genome position (GRCh38, 1-based): chr2:205,763,691, C>A. VCF-style: chr2-205763691-C-A. GRCh37 (hg19) VCF-style: chr2-206628415-C-A.
Other names: c.2062C>A, p.Arg688= (NM_018534.4, NM_201266.2, NM_201267.2 and 1 more transcripts).
Identifiers: ClinVar variation 4985022 (VCV004985022.1).

ClinVar aggregate classification (germline): Likely benign (1 of 4 stars; one submission).

Conditions:
NRP2-related disorder. Also called: NRP2-related condition.

gnomAD v4.1: 3 of 1,614,086 alleles (0.00019%); highest among the groups gnomAD compares: Admixed American, 0.0017%; no homozygotes.

Submission:

PreventionGenetics, part of Exact Sciences
Classification: Likely benign for NRP2-related condition. Last evaluated: 2025-08-05. Review status: criteria provided, single submitter. Criteria: ACMG Guidelines, 2015. Collection method: clinical testing. Allele origin: germline.
Comment: This variant is classified as likely benign based on ACMG/AMP sequence variant interpretation guidelines (Richards et al. 2015 PMID: 25741868, with internal and published modifications).